The following is an entry in ClinVar:

ClinVar aggregate classification (germline): Likely benign. Review status: criteria provided, multiple submitters, no conflicts (2 of 4 stars). 3 submissions from 3 submitters: Likely benign (3). Last evaluated 2025-09-03.

Conditions:
Hereditary nonpolyposis colorectal neoplasms. Identifiers: MedGen C0009405, MeSH D003123.
Lynch syndrome 5 (LYNCH5). Also called: Colorectal cancer, hereditary nonpolyposis, type 5; Hereditary non-polyposis colorectal cancer, type 5. Identifiers: Orphanet 144, MedGen C1833477, MONDO:0013710, OMIM 614350. Disease mechanism: loss of function.

Allele frequency attached by ClinVar (database versions not stated): gnomAD exomes below 0.00001; TOPMed below 0.00001; gnomAD 0.00001.
gnomAD v4.1: 5 of 1,612,776 alleles (0.00031%); highest among the groups gnomAD compares: South Asian, 0.0022%; 1 homozygote.

Submissions (3):

Labcorp Genetics (formerly Invitae), Labcorp
Classification: Likely benign for Hereditary nonpolyposis colorectal neoplasms. Last evaluated: 2025-09-03. Review status: criteria provided, single submitter. Criteria: Invitae Variant Classification Sherloc (09022015). Collection method: clinical testing. Allele origin: germline.

Myriad Genetics, Inc.
Classification: Likely benign for Lynch syndrome 5. Last evaluated: 2025-01-07. Review status: criteria provided, single submitter. Criteria: Myriad Autosomal Dominant, Autosomal Recessive and X-Linked Classification Criteria (2023). Collection method: clinical testing. Allele origin: unknown.
Comment: This variant is considered likely benign. This variant is intronic and is not expected to impact mRNA splicing.

GeneDx
Classification: Likely benign. Last evaluated: 2016-07-01. Review status: criteria provided, single submitter. Criteria: GeneDx Variant Classification (06012015). Collection method: clinical testing. Allele origin: germline. Affected: yes.
Comment: This variant is considered likely benign or benign based on one or more of the following criteria: it is a conservative change, it occurs at a poorly conserved position in the protein, it is predicted to be benign by multiple in silico algorithms, and/or has population frequency not consistent with disease.

NM_000179.3(MSH6):c.3647-17A>G

Gene: MSH6 (mutS homolog 6; plus strand). Cytogenetic location: 2p16.3.
Variant type: single nucleotide variant.
Coding change: c.3647-17A>G on transcript NM_000179.3 (MANE Select); 17 bases into the intron before coding-DNA position 3647, A replaced by G.
Molecular consequence: intron variant.
Genome position (GRCh38, 1-based): chr2:47,806,187, A>G. VCF-style: chr2-47806187-A-G. GRCh37 (hg19) VCF-style: chr2-48033326-A-G.
Other names: c.2741-17A>G (NM_001281493.2, NM_001281494.2); c.3257-17A>G (NM_001281492.2).
Identifiers: ClinVar variation 387451 (VCV000387451.5), dbSNP rs767828284, ClinGen allele CA16604207.
Genomic context (GRCh38, chr2:47,806,187, plus strand): 5'-CCTAGCATTTTTGTTTTAATTCCTTTTTTGTTTTAATTCCTTTGAGTTACTTCCTTATGC[A>G]TATTTTACTTTAACAGGAAGAGGTACTGCAACATTTGATGGGACGGCAATAGCAAATGCA-3'